The following is an entry in ClinVar:

ClinVar aggregate classification (germline): Likely benign (1 of 4 stars; one submission).

Allele frequency attached by ClinVar (database versions not stated): gnomAD 0.00004 and 0.00005; TOPMed 0.00001.
gnomAD v4.1: 4 of 1,208,424 alleles (0.00033%); highest among the groups gnomAD compares: African/African-American, 0.007%; no homozygotes.

Submission:

GeneDx
Classification: Likely benign. Last evaluated: 2016-04-07. Review status: criteria provided, single submitter. Criteria: GeneDx Variant Classification (06012015). Collection method: clinical testing. Allele origin: germline. Affected: yes.
Comment: This variant is considered likely benign or benign based on one or more of the following criteria: it is a conservative change, it occurs at a poorly conserved position in the protein, it is predicted to be benign by multiple in silico algorithms, and/or has population frequency not consistent with disease.

NM_001029896.2(WDR45):c.342-11G>C

Gene: WDR45 (WD repeat domain 45; minus strand). Cytogenetic location: Xp11.23.
Variant type: single nucleotide variant.
Coding change: c.342-11G>C on transcript NM_001029896.2 (MANE Select); 11 bases into the intron before coding-DNA position 342, G replaced by C.
Molecular consequence: intron variant.
Genome position (GRCh38, 1-based): chrX:49,076,535, C>G on the plus strand (G>C on the coding strand, the complement: WDR45 is on the minus strand). VCF-style: chrX-49076535-C-G. GRCh37 (hg19) VCF-style: chrX-48934194-C-G.
Other names: c.345-11G>C (NM_007075.4).
Identifiers: ClinVar variation 385250 (VCV000385250.1), dbSNP rs1057522161, ClinGen allele CA16608496.